The following is an entry in ClinVar:

NM_005422.4(TECTA):c.3440A>G (p.Asn1147Ser)

Genes: TBCEL-TECTA (TBCEL-TECTA readthrough; plus strand), TECTA (tectorin alpha; plus strand). Cytogenetic location: 11q23.3.
Variant type: single nucleotide variant.
Coding change: c.3440A>G on transcript NM_005422.4 (MANE Select); coding-DNA position 3440, A replaced by G.
Protein change: p.Asn1147Ser; replaces asparagine 1147 with serine.
Molecular consequence: missense variant.
Genome position (GRCh38, 1-based): chr11:121,137,919, A>G. VCF-style: chr11-121137919-A-G. GRCh37 (hg19) VCF-style: chr11-121008628-A-G.
Other names: c.4397A>G, p.Asn1466Ser (NM_001378761.1); short protein forms N1147S, N1466S.
Identifiers: ClinVar variation 505691 (VCV000505691.6), dbSNP rs1184726805, ClinGen allele CA383019926.

ClinVar aggregate classification (germline): Uncertain significance. Review status: criteria provided, multiple submitters, no conflicts (2 of 4 stars). 2 submissions from 2 submitters: Uncertain significance (2). Last evaluated 2025-06-11.

Conditions:
Inborn genetic diseases. Identifiers: MedGen C0950123, MeSH D030342.

Allele frequency attached by ClinVar (database versions not stated): gnomAD exomes below 0.00001; gnomAD 0.00001; TOPMed 0.00001.
gnomAD v4.1: 2 of 1,604,196 alleles (0.00012%); highest among the groups gnomAD compares: East Asian, 0.0045%; no homozygotes.

Submissions (2):

Ambry Genetics
Classification: Uncertain significance for Inborn genetic diseases. Last evaluated: 2025-06-11. Review status: criteria provided, single submitter. Criteria: Ambry Variant Classification Scheme 2023. Collection method: clinical testing. Allele origin: germline.

Laboratory for Molecular Medicine, Mass General Brigham Personalized Medicine
Classification: Uncertain significance. Last evaluated: 2017-03-16. Review status: criteria provided, single submitter. Criteria: LMM Criteria. Collection method: clinical testing. Allele origin: germline. Observed: 1 variant allele.
Comment: The p.Asn1147Ser variant in TECTA has not been previously reported in individual s with hearing loss or in large population studies. Splice prediction tools indi cate the possible creation of a cryptic splice site; however, this information i s not predictive enough to determine pathogenicity. Additional computational pr ediction tools and conservation analysis do not provide strong support for or ag ainst an impact to the protein. In summary, the clinical significance of the p.A sn1147Ser variant is uncertain.